The following is an entry in ClinVar:

NM_017617.5(NOTCH1):c.2258A>T (p.Asn753Ile)

Gene: NOTCH1 (notch receptor 1; minus strand). Cytogenetic location: 9q34.3.
Variant type: single nucleotide variant.
Coding change: c.2258A>T on transcript NM_017617.5 (MANE Select); coding-DNA position 2258, A replaced by T.
Protein change: p.Asn753Ile; replaces asparagine 753 with isoleucine.
Molecular consequence: missense variant.
Genome position (GRCh38, 1-based): chr9:136,513,487, T>A on the plus strand (A>T on the coding strand, the complement: NOTCH1 is on the minus strand). VCF-style: chr9-136513487-T-A. GRCh37 (hg19) VCF-style: chr9-139407939-T-A.
Other names: short protein forms N753I.
Identifiers: ClinVar variation 3367422 (VCV003367422.1).
Genomic context (GRCh38, chr9:136,513,487, plus strand): 5'-CTGGTCATGTCTTTGCAGGTGCCGCCGTTGACACAAGGGTTGGATTCACACTCATTGTTG[T>A]TGATGTCACAGTTGGTCCCACTCCACCCAGGGTCACAGTCGCACTTGTACCTGCAAGGGG-3'
Protein context (NP_060087.3, residues 743-763): PGWSGTNCDI[Asn753Ile]NNECESNPCV

ClinVar aggregate classification (germline): Uncertain significance (1 of 4 stars; one submission).

Submission:

GeneDx
Classification: Uncertain significance. Last evaluated: 2024-01-03. Review status: criteria provided, single submitter. Criteria: GeneDx Variant Classification Process June 2021. Collection method: clinical testing. Allele origin: germline. Affected: yes.
Comment: Has not been previously published as pathogenic or benign to our knowledge; Not observed at significant frequency in large population cohorts (gnomAD); In silico analysis supports that this missense variant has a deleterious effect on protein structure/function